The following is an entry in ClinVar:

NM_003060.4(SLC22A5):c.637G>A (p.Ala213Thr)

Gene: SLC22A5 (solute carrier family 22 member 5; plus strand). Cytogenetic location: 5q31.1.
Variant type: single nucleotide variant.
Coding change: c.637G>A on transcript NM_003060.4 (MANE Select); coding-DNA position 637, G replaced by A.
Protein change: p.Ala213Thr; replaces alanine 213 with threonine.
Molecular consequence: missense variant.
Genome position (GRCh38, 1-based): chr5:132,384,286, G>A. VCF-style: chr5-132384286-G-A. GRCh37 (hg19) VCF-style: chr5-131719978-G-A.
Other names: c.637G>A (NM_003060.3); c.709G>A, p.Ala237Thr (NM_001308122.2); short protein forms A213T, A237T.
Identifiers: ClinVar variation 1217323 (VCV001217323.9), dbSNP rs749602236, ClinGen allele CA3403934.

ClinVar aggregate classification (germline): Uncertain significance. Review status: criteria provided, multiple submitters, no conflicts (2 of 4 stars). 4 submissions from 4 submitters: Uncertain significance (4). Last evaluated 2025-12-08.

Conditions:
Inborn genetic diseases. Identifiers: MedGen C0950123, MeSH D030342.
Renal carnitine transport defect (CDSP). Also called: CARNITINE DEFICIENCY, SYSTEMIC, DUE TO DEFECT IN RENAL REABSORPTION OF CARNITINE; CARNITINE TRANSPORTER, PLASMA-MEMBRANE, DEFICIENCY OF; CARNITINE UPTAKE DEFECT; Carnitine transporter deficiency; Carnitine Deficiency, Systemic; Systemic primary carnitine deficiency. Identifiers: Orphanet 158, MedGen C0342788, MONDO:0008919, OMIM 212140.

Allele frequency attached by ClinVar (database versions not stated): gnomAD exomes below 0.00001 and 0.00001; TOPMed below 0.00001; gnomAD 0.00001; ExAC 0.00002.

Submissions (4):

Ambry Genetics
Classification: Uncertain significance for Inborn genetic diseases. Last evaluated: 2025-12-08. Review status: criteria provided, single submitter. Criteria: Ambry Variant Classification Scheme 2023. Collection method: clinical testing. Allele origin: germline.

Labcorp Genetics (formerly Invitae), Labcorp
Classification: Uncertain significance for Renal carnitine transport defect. Last evaluated: 2022-05-10. Review status: criteria provided, single submitter. Criteria: Invitae Variant Classification Sherloc (09022015). Collection method: clinical testing. Allele origin: germline.
Comment: This sequence change replaces alanine, which is neutral and non-polar, with threonine, which is neutral and polar, at codon 213 of the SLC22A5 protein (p.Ala213Thr). This variant is present in population databases (rs749602236, gnomAD 0.004%). This variant has not been reported in the literature in individuals affected with SLC22A5-related conditions. ClinVar contains an entry for this variant (Variation ID: 1217323). Advanced modeling of protein sequence and biophysical properties (such as structural, functional, and spatial information, amino acid conservation, physicochemical variation, residue mobility, and thermodynamic stability) performed at Invitae indicates that this missense variant is not expected to disrupt SLC22A5 protein function. In summary, the available evidence is currently insufficient to determine the role of this variant in disease. Therefore, it has been classified as a Variant of Uncertain Significance.

Fulgent Genetics
Classification: Uncertain significance for Renal carnitine transport defect. Last evaluated: 2021-12-29. Review status: criteria provided, single submitter. Criteria: ACMG Guidelines, 2015. Collection method: clinical testing. Allele origin: unknown.

Genome-Nilou Lab
Classification: Uncertain significance for Renal carnitine transport defect. Last evaluated: 2021-07-22. Review status: criteria provided, single submitter. Criteria: ACMG Guidelines, 2015. Collection method: clinical testing. Allele origin: germline. Affected: no.